The following is an entry in ClinVar:

NM_004656.4(BAP1):c.255+1G>T

Gene: BAP1 (BRCA1 associated deubiquitinase 1; minus strand). Cytogenetic location: 3p21.1.
Variant type: single nucleotide variant.
Coding change: c.255+1G>T on transcript NM_004656.4 (MANE Select); the canonical splice donor site of the intron after coding-DNA position 255, G replaced by T.
Molecular consequence: splice donor variant.
Genome position (GRCh38, 1-based): chr3:52,408,473, C>A on the plus strand (G>T on the coding strand, the complement: BAP1 is on the minus strand). VCF-style: chr3-52408473-C-A. GRCh37 (hg19) VCF-style: chr3-52442489-C-A.
Other names: c.255+1G>T (NM_004656.2, NM_001410772.1).
Identifiers: ClinVar variation 412450 (VCV000412450.6), dbSNP rs1060503750, ClinGen allele CA16611358.
Genomic context (GRCh38, chr3:52,408,473, plus strand): 5'-CTTCCCAAGCAAAAACATGGCAGCATCCCACCCTCCAAACAAAGCACAGAGTCCAGCAGA[C>A]CTGGTGGGCAAAGAACATGTTATTCACAATATCATCATCAATCACGGACGTATCATCCAC-3'

ClinVar aggregate classification (germline): Conflicting classifications of pathogenicity. Review status: criteria provided, conflicting classifications (1 of 4 stars). 2 submissions from 2 submitters: Likely pathogenic (1); Uncertain significance (1). Last evaluated 2025-05-29.

Conditions:
BAP1-related tumor predisposition syndrome (TPDS1). Also called: BAP1 tumor predisposition syndrome; Tumor susceptibility linked to germline BAP1 mutations; TUMOR PREDISPOSITION SYNDROME 1; COMMON Syndrome. Identifiers: Orphanet 289539, MedGen C3280492, MONDO:0013692, OMIM 614327.
Hereditary cancer-predisposing syndrome. Also called: Neoplastic Syndromes, Hereditary; Tumor predisposition; Hereditary Cancer Syndrome; Hereditary neoplastic syndrome. Identifiers: Orphanet 140162, MedGen C0027672, MeSH D009386, MONDO:0015356.

Submissions (2):

Ambry Genetics
Classification: Uncertain significance for Hereditary cancer-predisposing syndrome. Last evaluated: 2025-05-29. Review status: criteria provided, single submitter. Criteria: Ambry Variant Classification Scheme 2023. Collection method: clinical testing. Allele origin: germline.
Comment: The c.255+1G>T intronic variant results from a G to T substitution one nucleotide after coding exon 4 of the BAP1 gene. This alteration was non-functional in a high throughput genome editing haploid cell survival functional assay (Waters AJ et al. Nat Genet, 2024 Jul;56:1434-1445). Alterations that disrupt the canonical splice site are expected to result in aberrant splicing. In silico splice site analysis predicts that this alteration will weaken the native splice donor site and may result in the creation or strengthening of a novel splice donor site. A resulting transcript is predicted to be in-frame and is not expected to trigger nonsense-mediated mRNAdecay; although, direct evidence is unavailable. This nucleotide position is highly conserved in available vertebrate species. Based on the available evidence, the clinical significance of this variant remains unclear.

Labcorp Genetics (formerly Invitae), Labcorp
Classification: Likely pathogenic for BAP1-related tumor predisposition syndrome. Last evaluated: 2016-05-03. Review status: criteria provided, single submitter. Criteria: Invitae Variant Classification Sherloc (09022015). Collection method: clinical testing. Allele origin: germline.
Comment: This sequence change affects a donor splice site in intron 4 of the BAP1 gene. It is expected to disrupt mRNA splicing and likely results in an absent or disrupted protein product. This variant is not present in population databases (ExAC no frequency) and has not been reported in the literature in individuals with a BAP1-related disease. In summary, donor and acceptor splice site variants are typically truncating (PMID: 16199547), and truncating variants in BAP1 are known to be pathogenic (PMID: 23684012, 21874000). However, without additional functional and/or genetic data, this variant has been classified as Likely Pathogenic.

Literature cited by the submitters: PubMed 38969833 (cited by Ambry Genetics); PubMed 16199547 (cited by Labcorp Genetics (formerly Invitae), Labcorp); PubMed 23684012 (cited by Labcorp Genetics (formerly Invitae), Labcorp); PubMed 21874000 (cited by Labcorp Genetics (formerly Invitae), Labcorp).